The following is an entry in ClinVar:

NM_000302.4(PLOD1):c.569C>G (p.Pro190Arg)

Gene: PLOD1 (procollagen-lysine,2-oxoglutarate 5-dioxygenase 1; plus strand). Cytogenetic location: 1p36.22.
Variant type: single nucleotide variant.
Coding change: c.569C>G on transcript NM_000302.4 (MANE Select); coding-DNA position 569, C replaced by G.
Protein change: p.Pro190Arg; replaces proline 190 with arginine.
Molecular consequence: missense variant.
Genome position (GRCh38, 1-based): chr1:11,952,725, C>G. VCF-style: chr1-11952725-C-G. GRCh37 (hg19) VCF-style: chr1-12012782-C-G.
Other names: c.710C>G, p.Pro237Arg (NM_001316320.2); c.569C>G (NM_000302.3); short protein forms P190R, P237R.
Identifiers: ClinVar variation 871401 (VCV000871401.44), dbSNP rs375416784, ClinGen allele CA597946.

ClinVar aggregate classification (germline): Uncertain significance. Review status: criteria provided, multiple submitters, no conflicts (2 of 4 stars). 3 submissions from 3 submitters: Uncertain significance (3). Last evaluated 2025-07-15.

Conditions:
Familial thoracic aortic aneurysm and aortic dissection (TAAD). Also called: Thoracic aortic aneurysms and dissections. Identifiers: Orphanet 91387, MedGen C4707243, MONDO:0019625.
Ehlers-Danlos syndrome, kyphoscoliotic type 1 (EDSKSCL1). Also called: Ehlers-Danlos syndrome, hydroxylysine-deficient; EHLERS-DANLOS SYNDROME, OCULAR-SCOLIOTIC TYPE; PLOD1-Related Kyphoscoliotic Ehlers-Danlos Syndrome; EHLERS-DANLOS SYNDROME, TYPE VIA. Identifiers: Orphanet 1900, MedGen C0268342, MONDO:0016002, OMIM 225400. Disease mechanism: loss of function.

Allele frequency attached by ClinVar (database versions not stated): TOPMed 0.00002.
gnomAD v4.1: 13 of 1,611,142 alleles (0.00081%); highest among the groups gnomAD compares: South Asian, 0.0044%; no homozygotes.

Submissions (3):

Ambry Genetics
Classification: Uncertain significance for Familial thoracic aortic aneurysm and aortic dissection. Last evaluated: 2025-07-15. Review status: criteria provided, single submitter. Criteria: Ambry Variant Classification Scheme 2023. Collection method: clinical testing. Allele origin: germline.

Labcorp Genetics (formerly Invitae), Labcorp
Classification: Uncertain significance for Ehlers-Danlos syndrome, kyphoscoliotic type 1. Last evaluated: 2022-08-04. Review status: criteria provided, single submitter. Criteria: Invitae Variant Classification Sherloc (09022015). Collection method: clinical testing. Allele origin: germline.
Comment: This sequence change replaces proline, which is neutral and non-polar, with arginine, which is basic and polar, at codon 190 of the PLOD1 protein (p.Pro190Arg). This variant is present in population databases (rs375416784, gnomAD 0.007%). This variant has not been reported in the literature in individuals affected with PLOD1-related conditions. ClinVar contains an entry for this variant (Variation ID: 871401). Algorithms developed to predict the effect of missense changes on protein structure and function are either unavailable or do not agree on the potential impact of this missense change (SIFT: "Deleterious"; PolyPhen-2: "Benign"; Align-GVGD: "Class C0"). In summary, the available evidence is currently insufficient to determine the role of this variant in disease. Therefore, it has been classified as a Variant of Uncertain Significance.

CeGaT Center for Human Genetics Tuebingen
Classification: Uncertain significance. Last evaluated: 2019-10-01. Review status: criteria provided, single submitter. Criteria: CeGaT Center For Human Genetics Tuebingen Variant Classification Criteria Version 2. Collection method: clinical testing. Allele origin: germline. Affected: yes. Observed: 1 variant allele.